The following is an entry in ClinVar:

NM_007315.4(STAT1):c.1675G>C (p.Glu559Gln)

Gene: STAT1 (signal transducer and activator of transcription 1; minus strand). Cytogenetic location: 2q32.2.
Variant type: single nucleotide variant.
Coding change: c.1675G>C on transcript NM_007315.4 (MANE Select); coding-DNA position 1675, G replaced by C.
Protein change: p.Glu559Gln; replaces glutamic acid 559 with glutamine.
Molecular consequence: missense variant.
Genome position (GRCh38, 1-based): chr2:190,979,824, C>G on the plus strand (G>C on the coding strand, the complement: STAT1 is on the minus strand). VCF-style: chr2-190979824-C-G. GRCh37 (hg19) VCF-style: chr2-191844550-C-G.
Other names: c.1615G>C, p.Glu539Gln (NM_001384880.1); c.1681G>C, p.Glu561Gln (NM_001384881.1, NM_001384884.1); c.1669G>C, p.Glu557Gln (NM_001384882.1); c.1576G>C, p.Glu526Gln (NM_001384883.1); c.1516G>C, p.Glu506Gln (NM_001384885.1); c.1675G>C, p.Glu559Gln (NM_001384886.1, NM_001384889.1, NM_139266.3); c.1582G>C, p.Glu528Gln (NM_001384887.1); c.1645G>C, p.Glu549Gln (NM_001384888.1); and 2 more; short protein forms E559Q, E506Q, E526Q, E528Q, E529Q, E539Q, E549Q, E557Q.
Identifiers: ClinVar variation 648841 (VCV000648841.8), dbSNP rs1574641583, ClinGen allele CA349914242.

ClinVar aggregate classification (germline): Uncertain significance (1 of 4 stars; one submission).

Conditions:
Immunodeficiency 31B. Also called: STAT1 DEFICIENCY, AUTOSOMAL RECESSIVE; IMMUNODEFICIENCY 31B, MYCOBACTERIAL AND VIRAL INFECTIONS, AUTOSOMAL RECESSIVE. Identifiers: Orphanet 391311, MedGen C3151088, MONDO:0013427, OMIM 613796.
Autoimmune enteropathy and endocrinopathy - susceptibility to chronic infections syndrome. Also called: Immunodeficiency 31C; Immunodeficiency 31C, autosomal dominant. Identifiers: Orphanet 391487, MedGen C3279990, MONDO:0013599, OMIM 614162.
Mendelian susceptibility to mycobacterial diseases due to partial STAT1 deficiency. Also called: IMMUNODEFICIENCY 31A, MYCOBACTERIOSIS, AUTOSOMAL DOMINANT; STAT1 DEFICIENCY, AUTOSOMAL DOMINANT; Immunodeficiency 31a. Identifiers: Orphanet 319595, MedGen C4013950, MONDO:0013956, OMIM 614892.

Submission:

Labcorp Genetics (formerly Invitae), Labcorp
Classification: Uncertain significance for Mendelian susceptibility to mycobacterial diseases due to partial STAT1 deficiency; Immunodeficiency 31B; Autoimmune enteropathy and endocrinopathy - susceptibility to chronic infections syndrome. Last evaluated: 2018-09-20. Review status: criteria provided, single submitter. Criteria: Invitae Variant Classification Sherloc (09022015). Collection method: clinical testing. Allele origin: germline.
Comment: This variant has not been reported in the literature in individuals with STAT1-related disease. This variant is not present in population databases (ExAC no frequency). This sequence change replaces glutamic acid with glutamine at codon 559 of the STAT1 protein (p.Glu559Gln). The glutamic acid residue is moderately conserved and there is a small physicochemical difference between glutamic acid and glutamine. Algorithms developed to predict the effect of missense changes on protein structure and function are either unavailable or do not agree on the potential impact of this missense change (SIFT: "Tolerated"; PolyPhen-2: "Possibly Damaging"; Align-GVGD: "Class C0"). In summary, the available evidence is currently insufficient to determine the role of this variant in disease. Therefore, it has been classified as a Variant of Uncertain Significance.